The following is an entry in ClinVar:

NM_000081.4(LYST):c.7910C>A (p.Thr2637Lys)

Gene: LYST (lysosomal trafficking regulator; minus strand). Cytogenetic location: 1q42.3.
Variant type: single nucleotide variant.
Coding change: c.7910C>A on transcript NM_000081.4 (MANE Select); coding-DNA position 7910, C replaced by A.
Protein change: p.Thr2637Lys; replaces threonine 2637 with lysine.
Molecular consequence: missense variant.
Genome position (GRCh38, 1-based): chr1:235,746,398, G>T on the plus strand (C>A on the coding strand, the complement: LYST is on the minus strand). VCF-style: chr1-235746398-G-T. GRCh37 (hg19) VCF-style: chr1-235909698-G-T.
Other names: c.7910C>A, p.Thr2637Lys (NM_001301365.1); short protein forms T2637K.
Identifiers: ClinVar variation 1392185 (VCV001392185.5), dbSNP rs747449153, ClinGen allele CA344927009.
Genomic context (GRCh38, chr1:235,746,398, plus strand): 5'-TGATAAATAATCCTGTTGACTGCTAAAACAGTGAGCCTCTGTAGTCTCTGCGCAAGTTCC[G>T]TTTCAGTTGCTTGGCTAGGGTTCTCTTGGCTCATTCTCCGTTGCATCATCACATGAAGCT-3'
Protein context (NP_000072.2, residues 2627-2647): SQENPSQATE[Thr2637Lys]ELAQRLQRLT

ClinVar aggregate classification (germline): Uncertain significance (1 of 4 stars; one submission).

Conditions:
Chédiak-Higashi syndrome (CHS). Also called: Chediak-Higashi Syndrome. Identifiers: Orphanet 167, MedGen C0007965, MONDO:0008963, OMIM 214500.

gnomAD v4.1: 1 of 1,613,882 alleles (0.000062%); highest among the groups gnomAD compares: Admixed American, 0.0017%; no homozygotes.

Submission:

Labcorp Genetics (formerly Invitae), Labcorp
Classification: Uncertain significance for Chédiak-Higashi syndrome. Last evaluated: 2024-10-26. Review status: criteria provided, single submitter. Criteria: Invitae Variant Classification Sherloc (09022015). Collection method: clinical testing. Allele origin: germline.
Comment: This sequence change replaces threonine, which is neutral and polar, with lysine, which is basic and polar, at codon 2637 of the LYST protein (p.Thr2637Lys). This variant is not present in population databases (gnomAD no frequency). This variant has not been reported in the literature in individuals affected with LYST-related conditions. ClinVar contains an entry for this variant (Variation ID: 1392185). Invitae Evidence Modeling of protein sequence and biophysical properties (such as structural, functional, and spatial information, amino acid conservation, physicochemical variation, residue mobility, and thermodynamic stability) indicates that this missense variant is not expected to disrupt LYST protein function with a negative predictive value of 80%. In summary, the available evidence is currently insufficient to determine the role of this variant in disease. Therefore, it has been classified as a Variant of Uncertain Significance.